The following is an entry in ClinVar:

ClinVar aggregate classification (germline): Uncertain significance (1 of 4 stars; one submission).

Conditions:
Wiedemann-Steiner syndrome (WDSTS). Also called: Growth deficiency and mental retardation with facial dysmorphism. Identifiers: Orphanet 319182, MedGen C1854630, MONDO:0011518, OMIM 605130.

Submission:

3billion
Classification: Uncertain significance for Wiedemann-Steiner syndrome. Last evaluated: 2025-02-19. Review status: criteria provided, single submitter. Criteria: ACMG Guidelines, 2015. Collection method: clinical testing. Allele origin: germline. Affected: yes.
Comment: The variant is not observed in the gnomAD v4.1.0 dataset. Predicted Consequence/Location: Missense variant Damaging effect on gene or gene product predicted by in silico programs is uncertain [REVEL: 0.44 (damaging >=0.6, benign <0.4)]. Therefore, this variant is classified as VUS according to the recommendation of ACMG/AMP guideline.

NM_001197104.2(KMT2A):c.9038G>A (p.Gly3013Asp)

Gene: KMT2A (lysine methyltransferase 2A; plus strand). Cytogenetic location: 11q23.3.
Variant type: single nucleotide variant.
Coding change: c.9038G>A on transcript NM_001197104.2 (MANE Select); coding-DNA position 9038, G replaced by A.
Protein change: p.Gly3013Asp; replaces glycine 3013 with aspartic acid.
Molecular consequence: missense variant.
Genome position (GRCh38, 1-based): chr11:118,504,930, G>A. VCF-style: chr11-118504930-G-A. GRCh37 (hg19) VCF-style: chr11-118375645-G-A.
Other names: c.9128G>A, p.Gly3043Asp (NM_001412597.1); c.9029G>A, p.Gly3010Asp (NM_005933.4); short protein forms G3010D, G3013D, G3043D.
Identifiers: ClinVar variation 4291881 (VCV004291881.1).